The following is an entry in ClinVar:

NM_173630.4(RTTN):c.4880T>G (p.Ile1627Ser)

Gene: RTTN (rotatin; minus strand). Cytogenetic location: 18q22.2.
Variant type: single nucleotide variant.
Coding change: c.4880T>G on transcript NM_173630.4 (MANE Select); coding-DNA position 4880, T replaced by G.
Protein change: p.Ile1627Ser; replaces isoleucine 1627 with serine.
Molecular consequence: missense variant.
Genome position (GRCh38, 1-based): chr18:70,059,910, A>C on the plus strand (T>G on the coding strand, the complement: RTTN is on the minus strand). VCF-style: chr18-70059910-A-C. GRCh37 (hg19) VCF-style: chr18-67727146-A-C.
Other names: c.2144T>G, p.Ile715Ser (NM_001318520.2); short protein forms I1627S, I715S.
Identifiers: ClinVar variation 1309944 (VCV001309944.3), dbSNP rs778267549, ClinGen allele CA8995112.
Genomic context (GRCh38, chr18:70,059,910, plus strand): 5'-CTACAGAGAAGTTCTATGAGATGAGCTTGTCGAAAAGCCTTTGCAGTGTCTCTGGGAGCA[A>C]TCGTCAAGAGGTTGTCCAAGAGGCTGCACATTGCTGAAAGAAGAGATGGAGTAACAAAAA-3'
Protein context (NP_775901.3, residues 1617-1637): MCSLLDNLLT[Ile1627Ser]APRDTAKAFR

ClinVar aggregate classification (germline): Uncertain significance. Review status: criteria provided, multiple submitters, no conflicts (2 of 4 stars). 2 submissions from 2 submitters: Uncertain significance (2). Last evaluated 2024-12-10.

Conditions:
Inborn genetic diseases. Identifiers: MedGen C0950123, MeSH D030342.

Allele frequency attached by ClinVar (database versions not stated): gnomAD exomes below 0.00001; ExAC 0.00001; TOPMed 0.00002.
gnomAD v4.1: 2 of 1,613,678 alleles (0.00012%); highest among the groups gnomAD compares: Admixed American, 0.0017%; no homozygotes.

Submissions (2):

Ambry Genetics
Classification: Uncertain significance for Inborn genetic diseases. Last evaluated: 2024-12-10. Review status: criteria provided, single submitter. Criteria: Ambry Variant Classification Scheme 2023. Collection method: clinical testing. Allele origin: germline.

GeneDx
Classification: Uncertain significance. Last evaluated: 2019-11-08. Review status: criteria provided, single submitter. Criteria: GeneDx Variant Classification Process June 2021. Collection method: clinical testing. Allele origin: germline. Affected: yes.
Comment: Not observed at a significant frequency in large population cohorts (Lek et al., 2016); In silico analysis, which includes protein predictors and evolutionary conservation, supports a deleterious effect; Has not been previously published as pathogenic or benign to our knowledge